The following is an entry in ClinVar:

NM_032043.3(BRIP1):c.477_481del (p.Lys159fs)

Gene: BRIP1 (BRCA1 interacting DNA helicase 1; minus strand). Cytogenetic location: 17q23.2.
Variant type: Microsatellite.
Coding change: c.477_481del on transcript NM_032043.3 (MANE Select); coding-DNA positions 477 to 481, 5 bases deleted (AAGAA; older notation c.477_481delAAGAA).
Protein change: p.Lys159fs; shifts the reading frame from lysine 159.
Molecular consequence: frameshift variant.
Genome position (GRCh38, 1-based): chr17:61,849,155-61,849,159, TTCTT deleted on the plus strand (AAGAA on the coding strand, the reverse complement: BRIP1 is on the minus strand); deleting any 5 consecutive bases within chr17:61,849,155-61,849,164 gives the same sequence; the c. name uses the placement nearest the transcript's 3' end. VCF-style (leftmost placement, unchanged base first): chr17-61849154-ATTCTT-A. GRCh37 (hg19) VCF-style: chr17-59926515-ATTCTT-A.
Other names: c.477_481delAAGAA (NM_032043.2); c.477_481del5 (NM_032043.2); short protein forms K159fs.
Identifiers: ClinVar variation 461047 (VCV000461047.26), dbSNP rs1555616143, ClinGen allele CA658658686.

ClinVar aggregate classification (germline): Pathogenic/Likely pathogenic. Review status: criteria provided, multiple submitters, no conflicts (2 of 4 stars). 11 submissions from 11 submitters: Pathogenic (9); Likely pathogenic (1). 1 of the submissions does not count toward it. Last evaluated 2026-08-21.

Conditions:
Ovarian cancer. Also called: OVARIAN CANCER, SOMATIC. Identifiers: Orphanet 213500, MedGen C1140680, MONDO:0008170, OMIM 167000.
Fanconi anemia complementation group J. Also called: BRIP1-Related Fanconi Anemia. Identifiers: Orphanet 84, MedGen C1836860, MONDO:0012187, OMIM 609054.
BRIP1-related disorder. Also called: BRIP1-related condition; BRIP1-related disorders. Identifiers: MedGen CN239206.
Familial cancer of breast. Also called: Hereditary breast cancer; hereditary breast carcinoma; BREAST CANCER, FAMILIAL. Identifiers: Orphanet 227535, MedGen C0346153, MONDO:0016419, OMIM 114480. Disease mechanism: loss of function.
Hereditary cancer-predisposing syndrome. Also called: Tumor predisposition; Hereditary neoplastic syndrome; Neoplastic Syndromes, Hereditary; Hereditary Cancer Syndrome. Identifiers: Orphanet 140162, MedGen C0027672, MeSH D009386, MONDO:0015356.

Submissions (11):

PreventionGenetics, part of Exact Sciences
Classification: Pathogenic for BRIP1-related condition. Last evaluated: 2026-08-21. Review status: criteria provided, single submitter. Criteria: ACMG Guidelines, 2015. Collection method: clinical testing. Allele origin: germline.
Comment: The BRIP1 c.477_481del5 variant is predicted to result in a frameshift and premature protein termination (p.Lys159Asnfs*11). This variant has not been reported in a large population database, indicating this variant is rare. This variant is interpreted as pathogenic/likely pathogenic in ClinVar (Variation ID: 461047). Frameshift variants in BRIP1 are expected to be pathogenic. This variant is interpreted as pathogenic.

Labcorp Genetics (formerly Invitae), Labcorp
Classification: Pathogenic for Familial cancer of breast; Fanconi anemia complementation group J. Last evaluated: 2025-10-06. Review status: criteria provided, single submitter. Criteria: Invitae Variant Classification Sherloc (09022015). Collection method: clinical testing. Allele origin: germline.
Comment: This sequence change creates a premature translational stop signal (p.Lys159Asnfs*11) in the BRIP1 gene. It is expected to result in an absent or disrupted protein product. Loss-of-function variants in BRIP1 are known to be pathogenic (PMID: 16116423, 17033622, 21964575). This variant is not present in population databases (gnomAD no frequency). This premature translational stop signal has been observed in individual(s) with breast cancer (PMID: 25186627). RNA analysis performed to evaluate the impact of this premature translational stop signal on mRNA splicing indicates it does not significantly alter splicing (internal data). For these reasons, this variant has been classified as Pathogenic.

Hereditary Cancer Laboratory, Hospital Universitario 12 de Octubre
Classification: Pathogenic for Hereditary cancer-predisposing syndrome. Last evaluated: 2024-08-12. Review status: criteria provided, single submitter. Criteria: ACMG Guidelines, 2015. Collection method: clinical testing. Allele origin: germline.
Comment: PVS1+PM2

Ambry Genetics
Classification: Pathogenic for Hereditary cancer-predisposing syndrome. Last evaluated: 2024-08-07. Review status: criteria provided, single submitter. Criteria: Ambry Variant Classification Scheme 2023. Collection method: clinical testing. Allele origin: germline.
Comment: The c.477_481delAAGAA pathogenic mutation, located in coding exon 4 of the BRIP1 gene, results from a deletion of 5 nucleotides at nucleotide positions 477 to 481, causing a translational frameshift with a predicted alternate stop codon (p.K159Nfs*11). In addition to the clinical data presented in the literature, this alteration is expected to result in loss of function by premature protein truncation or nonsense-mediated mRNA decay. As such, this alteration is interpreted as a disease-causing mutation.

Quest Diagnostics Nichols Institute San Juan Capistrano
Classification: Pathogenic. Last evaluated: 2024-07-18. Review status: criteria provided, single submitter. Criteria: Quest Diagnostics criteria. Collection method: clinical testing. Allele origin: unknown.
Comment: The BRIP1 c.477_481del (p.Lys159Asnfs*11) variant alters the translational reading frame of the BRIP1 mRNA and causes the premature termination of BRIP1 protein synthesis. This variant has been reported in the published literature in an individual with breast cancer (PMID: 25186627 (2015)). This variant has not been reported in large, multi-ethnic general populations (Genome Aggregation Database). Based on the available information, this variant is classified as pathogenic.

Color Diagnostics, LLC DBA Color Health
Classification: Pathogenic for Hereditary cancer-predisposing syndrome. Last evaluated: 2023-04-21. Review status: criteria provided, single submitter. Criteria: ACMG Guidelines, 2015. Collection method: clinical testing. Allele origin: germline.
Comment: This variant deletes 5 nucleotides in exon 5 of the BRIP1 gene, creating a frameshift and premature translation stop signal. This variant is expected to result in an absent or non-functional protein product. This variant has been reported in an individual with breast cancer (PMID: 25186627). This variant has not been identified in the general population by the Genome Aggregation Database (gnomAD). Loss of BRIP1 function is a known mechanism of disease. Based on the available evidence, this variant is classified as Pathogenic.

Myriad Genetics, Inc.
Classification: Pathogenic for Familial cancer of breast. Last evaluated: 2023-02-27. Review status: criteria provided, single submitter. Criteria: Myriad Autosomal Dominant, Autosomal Recessive and X-Linked Classification Criteria (2023). Collection method: clinical testing. Allele origin: unknown.
Comment: This variant is considered pathogenic. This variant creates a frameshift predicted to result in premature protein truncation.

Baylor Genetics
Classification: Pathogenic for Familial cancer of breast. Last evaluated: 2023-01-19. Review status: criteria provided, single submitter. Criteria: ACMG Guidelines, 2015. Collection method: clinical testing. Allele origin: unknown.

GeneDx
Classification: Pathogenic. Last evaluated: 2022-10-11. Review status: criteria provided, single submitter. Criteria: GeneDx Variant Classification Process June 2021. Collection method: clinical testing. Allele origin: germline. Affected: yes.
Comment: Frameshift variant predicted to result in protein truncation or nonsense mediated decay in a gene for which loss-of-function is a known mechanism of disease; Not observed at significant frequency in large population cohorts (gnomAD); Observed in an individual with breast cancer (Tung et al., 2015); This variant is associated with the following publications: (PMID: 25186627)

Sema4
Classification: Likely pathogenic for Hereditary cancer-predisposing syndrome. Last evaluated: 2021-08-10. Review status: criteria provided, single submitter. Criteria: Sema4 Curation Guidelines. Collection method: curation. Allele origin: germline.
Comment: The BRIP1 c.477_481del (p.K159Nfsx11) variant has been reported in heterozygosity in at least one individual with breast cancer (PMID: 25186627). This variant causes a frameshift at amino acid 159 that results in premature termination 11 amino acids downstream. This variant is expected to result in an absent or non-functional protein product (loss of function). Loss-of-function variants in BRIP1 are known to be pathogenic (PMID: 16116423, 17033622, 21964575). This variant is not reported in the Genome Aggregation Database (PMID: 32461654). This variant has been reported in ClinVar (Variation ID: 461047). Based on the current evidence available, this variant is interpreted as likely pathogenic.

Counsyl
Classification: Likely pathogenic for Fanconi anemia complementation group J; Ovarian cancer. Last evaluated: 2017-08-29. Review status: no assertion criteria provided. Collection method: clinical testing. Allele origin: unknown. Not counted in ClinVar's aggregate classification.

Literature cited by the submitters: PubMed 16116423 (cited by Labcorp Genetics (formerly Invitae), Labcorp and Sema4); PubMed 17033622 (cited by Labcorp Genetics (formerly Invitae), Labcorp and Sema4); PubMed 21964575 (cited by Labcorp Genetics (formerly Invitae), Labcorp and Sema4); PubMed 25186627 (cited by 6 submitters).